The following is an entry in ClinVar:

ClinVar aggregate classification (germline): Pathogenic. Review status: reviewed by expert panel (3 of 4 stars). 9 submissions from 9 submitters: Pathogenic (1). 8 of the submissions do not count toward it. Last evaluated 2018-09-11.

Conditions:
Rare genetic deafness. Identifiers: Orphanet 96210, MedGen C5680250.
KCNQ4-related disorder. Also called: KCNQ4-related condition.
Nonsyndromic genetic hearing loss. Also called: Nonsyndromic hearing loss and deafness; Non-syndromic genetic deafness; Nonsyndromic genetic deafness. Identifiers: Orphanet 87884, MedGen C5680182, MONDO:0019497.
Autosomal dominant nonsyndromic hearing loss 2A. Also called: DFNA2 Nonsyndromic Hearing Loss; Autosomal dominant nonsyndromic deafness 2A; Deafness, autosomal dominant 2A. Identifiers: Orphanet 90635, MedGen C2677637, MONDO:0010817, OMIM 600101.

Allele frequency attached by ClinVar (database versions not stated): gnomAD exomes below 0.00001.
gnomAD v4.1: 1 of 1,613,924 alleles (0.000062%); highest among the groups gnomAD compares: Non-Finnish European, 0.000085%; no homozygotes.

Submissions (9):

ClinGen Hearing Loss Variant Curation Expert Panel
Classification: Pathogenic for Nonsyndromic genetic hearing loss. Last evaluated: 2018-09-11. Review status: reviewed by expert panel. Criteria: ClinGen HL ACMG Specifications v1. Collection method: curation. Allele origin: germline. Inheritance: Autosomal dominant inheritance.
Comment: The p.Gly285Ser variant in the KCNQ4 gene was absent from the Genome Aggregation Database (PM2). The p.Gly285Ser variant has been reported to segregate with hearing loss in at least 16 family members (PP1_S; PMIDs: 10025409, 25116015). The variant meets PM2 and has been observed in at least 2 affected probands (PS4_P, PMID: 10025409, Partners LMM internal data SCV000198442.4). A different pathogenic missense variant (p.Gly285Cys) has been previously identified at this codon of KCNQ4 which may indicate that this residue is critical to the function of the protein (PM5; ClinVar Variation ID 6244, PMID: 10369879). Furthermore, the variant is in a location that has been defined by the ClinGen Hearing Loss Expert Panel to be a mutational hotspot or domain of KCNQ4 (PM1; PMID: 23717403). A functional study demonstrates that this variant may impact protein function (PS3_P; PMID: 10025409, 18786918). In summary, this variant meets criteria to be classified as pathogenic for autosomal dominant nonsyndromic hearing loss based on the ACMG/AMP criteria applied as specified by the Hearing Loss Expert Panel: PM2, PP1_S, PS4_P, PM5, PM1, PS3_P.

OLLIN Analises Genomicas, OLLIN
Classification: Pathogenic. Last evaluated: 2026-08-06. Review status: criteria provided, single submitter. Criteria: ACMG Guidelines 2015 PMID 25741868. Collection method: clinical testing. Allele origin: germline. Not counted in ClinVar's aggregate classification.
Comment: This missense variant, located in exon 6 (of 14), has been reported in ClinVar (accession VCV000006241.15), in gnomAD with an allele frequency of 0.000062%, and in the scientific literature, segregating with the phenotype, in individuals with KCNQ4 related disorders (PMID: 10025409, 18786918, 23717403, 10369879, 25116015). In silico analysis is inconclusive regarding the impact of this variant; however, functional studies suggest that it may affect protein function (PMID: 10025409, 18786918). This variant is located in a region considered to be a mutational hotspot (PMID: 23717403). Another pathogenic variant affecting the same amino acid residue has been reported (PMID: 10369879). According to the currently available evidence, this variant has been classified as pathogenic (PS4_P, PS3_P, PM1, PM2_P, PM5, PP1).

GeneDx
Classification: Pathogenic. Last evaluated: 2024-10-14. Review status: criteria provided, single submitter. Criteria: GeneDx Variant Classification Process June 2021. Collection method: clinical testing. Allele origin: germline. Affected: yes. Not counted in ClinVar's aggregate classification.
Comment: Published functional studies demonstrate a damaging effect with this variant resulting in reduced potassium channel activity (PMID: 24297175, 10025409); In silico analysis supports that this missense variant has a deleterious effect on protein structure/function; Not observed at significant frequency in large population cohorts (gnomAD); This variant is associated with the following publications: (PMID: 20966080, 16437162, 30311386, 23750663, 10025409, 18786918, 17561493, 18797286, 24297175, 21951272, 35580552, 25116015, 23717403)

Blueprint Genetics
Classification: Pathogenic for KCNQ4-related disorders. Last evaluated: 2022-11-04. Review status: criteria provided, single submitter. Criteria: ACMG Guidelines, 2015. Collection method: clinical testing. Allele origin: germline. Affected: yes. Observed: 4 variant alleles. Not counted in ClinVar's aggregate classification.

Labcorp Genetics (formerly Invitae), Labcorp
Classification: Pathogenic. Last evaluated: 2022-08-13. Review status: criteria provided, single submitter. Criteria: Invitae Variant Classification Sherloc (09022015). Collection method: clinical testing. Allele origin: germline. Not counted in ClinVar's aggregate classification.
Comment: This missense change has been observed in individual(s) with autosomal dominant deafness (PMID: 10025409, 25116015). It has also been observed to segregate with disease in related individuals. This variant is not present in population databases (gnomAD no frequency). This sequence change replaces glycine, which is neutral and non-polar, with serine, which is neutral and polar, at codon 285 of the KCNQ4 protein (p.Gly285Ser). For these reasons, this variant has been classified as Pathogenic. This variant disrupts the p.Gly285 amino acid residue in KCNQ4. Other variant(s) that disrupt this residue have been determined to be pathogenic (PMID: 8035838, 10369879, 20832469, 20966080, 23717403). This suggests that this residue is clinically significant, and that variants that disrupt this residue are likely to be disease-causing. Experimental studies have shown that this missense change affects KCNQ4 function (PMID: 10025409, 20966080, 23750663). Advanced modeling of protein sequence and biophysical properties (such as structural, functional, and spatial information, amino acid conservation, physicochemical variation, residue mobility, and thermodynamic stability) performed at Invitae indicates that this missense variant is expected to disrupt KCNQ4 protein function. ClinVar contains an entry for this variant (Variation ID: 6241).

Laboratory for Molecular Medicine, Mass General Brigham Personalized Medicine
Classification: Pathogenic for Rare genetic deafness. Last evaluated: 2018-10-23. Review status: criteria provided, single submitter. Criteria: LMM Criteria. Collection method: clinical testing. Allele origin: germline. Inheritance: Autosomal dominant inheritance. Observed: 1 variant allele. Not counted in ClinVar's aggregate classification.
Comment: The p.Gly285Ser variant in KCNQ4 has been reported in at least three individuals with hearing loss, and segregated with disease in over 15 affected relatives fr om two families (LMM unpublished data, Kubisch 1999, Wang 2014). It was absent f rom large population studies. In vitro functional studies support an impact on p rotein function and suggest that the variant may act in a dominant-negative mann er (Kubisch 1999, Bal 2008). Furthermore, the p.Gly285Ser variant falls within t he highly conserved pore-forming region of KCNQ4 (Oza 2018). Supporting the into lerance of this position to variation, a different amino acid change at the same position (p.Gly285Cys) has been reported in one family with hearing loss (Couck e 1999). Finally, this variant was classified as Pathogenic on 9/11/2018 by the ClinGen-approved Hearing Loss Expert Panel (Variation ID 6241). In summary, this variant meets criteria to be classified as pathogenic for autosomal dominant no nsyndromic hearing loss. ACMG/AMP criteria applied: PP1_Strong, PM1, PM2, PP3, P S3_Supporting, PS4_Supporting.

Juno Genomics, Hangzhou Juno Genomics, Inc
Classification: Pathogenic for Autosomal dominant nonsyndromic hearing loss 2A. Review status: criteria provided, single submitter. Criteria: ACMG Guidelines, 2015. Collection method: clinical testing. Allele origin: germline. Affected: yes. Not counted in ClinVar's aggregate classification.
Comment: Multiple lines of computational evidence support a deleterious effect on the gene or gene product (conservation, evolutionary, splicing impact, etc).;Novel missense change at an amino acid residue where a different missense change determined to be pathogenic has been seen before.;Co-segregation with disease in multiple affected family members in a gene definitively known to cause the disease.;Absent from controls (or at extremely low frequency if recessive) in Genome Aggregation Database, Exome Sequencing Project, 1000 Genomes Project, or Exome Aggregation Consortium.;The prevalence of the variant in affected individuals is significantly increased compared to the prevalence in controls.

OMIM
Classification: Pathogenic for DEAFNESS, AUTOSOMAL DOMINANT 2A. Last evaluated: 2011-01-14. Review status: no assertion criteria provided. Collection method: literature only. Allele origin: germline. Not counted in ClinVar's aggregate classification.

GeneReviews
No classification provided. Condition: Autosomal dominant nonsyndromic hearing loss 2A. Review status: no classification provided. Collection method: literature only. Allele origin: germline. Affected: yes. Not counted in ClinVar's aggregate classification.

Literature cited by the submitters: PubMed 8035838 (cited by ClinGen Hearing Loss Variant Curation Expert Panel and Labcorp Genetics (formerly Invitae), Labcorp); PubMed 18786918 (cited by 3 submitters); PubMed 25116015 (cited by 5 submitters); PubMed 10025409 (cited by 6 submitters); PubMed 10369879 (cited by 4 submitters); PubMed 23717403 (cited by OLLIN Analises Genomicas, OLLIN and Labcorp Genetics (formerly Invitae), Labcorp); PubMed 20832469 (cited by Labcorp Genetics (formerly Invitae), Labcorp); PubMed 20966080 (cited by Labcorp Genetics (formerly Invitae), Labcorp and OMIM); PubMed 23750663 (cited by Labcorp Genetics (formerly Invitae), Labcorp); PubMed 30311386 (cited by Laboratory for Molecular Medicine, Mass General Brigham Personalized Medicine); NCBI Bookshelf NBK1209 (cited by GeneReviews).

NM_004700.4(KCNQ4):c.853G>A (p.Gly285Ser)

Gene: KCNQ4 (potassium voltage-gated channel subfamily Q member 4; plus strand). Cytogenetic location: 1p34.2.
Variant type: single nucleotide variant.
Coding change: c.853G>A on transcript NM_004700.4 (MANE Select); coding-DNA position 853, G replaced by A.
Protein change: p.Gly285Ser; replaces glycine 285 with serine.
Molecular consequence: missense variant.
Genome position (GRCh38, 1-based): chr1:40,819,893, G>A. VCF-style: chr1-40819893-G-A. GRCh37 (hg19) VCF-style: chr1-41285565-G-A.
Other names: NM_004700.3(KCNQ4):c.853G>A(p.Gly285Ser); NM_004700.3(KCNQ4):c.853G>A; c.853G>A, p.Gly285Ser (NM_172163.3); short protein forms G285S.
Identifiers: ClinVar variation 6241 (VCV000006241.17), dbSNP rs28937588, ClinGen allele CA340532.